The following is an entry in ClinVar:

ClinVar aggregate classification (germline): Uncertain significance (1 of 4 stars; one submission).

gnomAD v4.1: 2 of 1,595,396 alleles (0.00013%); highest among the groups gnomAD compares: African/African-American, 0.0027%; no homozygotes.

Submission:

Labcorp Genetics (formerly Invitae), Labcorp
Classification: Uncertain significance. Last evaluated: 2025-04-17. Review status: criteria provided, single submitter. Criteria: Invitae Variant Classification Sherloc (09022015). Collection method: clinical testing. Allele origin: germline.
Comment: This sequence change replaces glutamine, which is neutral and polar, with histidine, which is basic and polar, at codon 185 of the ZCCHC8 protein (p.Gln185His). This variant is present in population databases (no rsID available, gnomAD 0.02%). This variant has not been reported in the literature in individuals affected with ZCCHC8-related conditions. Invitae Evidence Modeling of protein sequence and biophysical properties (such as structural, functional, and spatial information, amino acid conservation, physicochemical variation, residue mobility, and thermodynamic stability) indicates that this missense variant is expected to disrupt ZCCHC8 protein function with a positive predictive value of 80%. In summary, the available evidence is currently insufficient to determine the role of this variant in disease. Therefore, it has been classified as a Variant of Uncertain Significance.

NM_017612.5(ZCCHC8):c.555A>C (p.Gln185His)

Gene: ZCCHC8 (zinc finger CCHC-type containing 8; minus strand). Cytogenetic location: 12q24.31.
Variant type: single nucleotide variant.
Coding change: c.555A>C on transcript NM_017612.5 (MANE Select); coding-DNA position 555, A replaced by C.
Protein change: p.Gln185His; replaces glutamine 185 with histidine.
Molecular consequence: missense variant. On other transcripts: intron variant (3).
Genome position (GRCh38, 1-based): chr12:122,483,510, T>G on the plus strand (A>C on the coding strand, the complement: ZCCHC8 is on the minus strand). VCF-style: chr12-122483510-T-G. GRCh37 (hg19) VCF-style: chr12-122968057-T-G.
Other names: c.258A>C, p.Gln86His (NM_001350936.2); c.-43-815A>C (NM_001350938.2, NM_001350937.2); c.502-1423A>C (NM_001350935.2); short protein forms Q86H, Q185H.
Identifiers: ClinVar variation 4763185 (VCV004763185.1).